The following is an entry in ClinVar:

ClinVar aggregate classification (germline): Uncertain significance (1 of 4 stars; one submission).

Conditions:
Dilated cardiomyopathy 1G (CMD1G). Identifiers: Orphanet 154, MedGen C1858763, MONDO:0011400, OMIM 604145.
Autosomal recessive limb-girdle muscular dystrophy type 2J (LGMDR10). Also called: Limb-girdle muscular dystrophy, type 2J; MUSCULAR DYSTROPHY, LIMB-GIRDLE, AUTOSOMAL RECESSIVE 10. Identifiers: Orphanet 140922, MedGen C1837342, MONDO:0012127, OMIM 608807.

Submission:

Labcorp Genetics (formerly Invitae), Labcorp
Classification: Uncertain significance for Dilated cardiomyopathy 1G; Autosomal recessive limb-girdle muscular dystrophy type 2J. Last evaluated: 2021-10-19. Review status: criteria provided, single submitter. Criteria: Invitae Variant Classification Sherloc (09022015). Collection method: clinical testing. Allele origin: germline.
Comment: This variant is located in the M band of TTN (PMID: 25589632). Variants in this region may be relevant for neuromuscular disorders, but have not been definitively shown to cause cardiomyopathy (PMID: 23975875). In summary, the available evidence is currently insufficient to determine the role of this variant in disease. Therefore, it has been classified as a Variant of Uncertain Significance. Algorithms developed to predict the effect of sequence changes on RNA splicing suggest that this variant may create or strengthen a splice site. Experimental studies and prediction algorithms are not available or were not evaluated, and the functional significance of this variant is currently unknown. This variant has not been reported in the literature in individuals affected with TTN-related conditions. This variant is not present in population databases (ExAC no frequency). This sequence change replaces alanine with valine at codon 35146 of the TTN protein (p.Ala35146Val). There is a small physicochemical difference between alanine and valine.

Literature cited by the submitters: PubMed 25589632; PubMed 23975875.

NM_001267550.2(TTN):c.105437C>T (p.Ala35146Val)

Genes: TTN-AS1 (TTN antisense RNA 1; plus strand), TTN (titin; minus strand). Cytogenetic location: 2q31.2.
Variant type: single nucleotide variant.
Coding change: c.105437C>T on transcript NM_001267550.2 (MANE Select); coding-DNA position 105437, C replaced by T.
Protein change: p.Ala35146Val; replaces alanine 35146 with valine.
Molecular consequence: missense variant.
Genome position (GRCh38, 1-based): chr2:178,531,178, G>A on the plus strand (C>T on the coding strand, the complement: TTN is on the minus strand). VCF-style: chr2-178531178-G-A. GRCh37 (hg19) VCF-style: chr2-179395905-G-A.
Other names: c.100514C>T, p.Ala33505Val (NM_001256850.1); c.78242C>T, p.Ala26081Val (NM_003319.4); c.97733C>T, p.Ala32578Val (NM_133378.4); c.78617C>T, p.Ala26206Val (NM_133432.3); c.78818C>T, p.Ala26273Val (NM_133437.4); short protein forms A35146V, A32578V, A26081V, A26206V, A26273V, A33505V.
Identifiers: ClinVar variation 1345581 (VCV001345581.6), dbSNP rs2154133306, ClinGen allele CA349408769.